The following is an entry in ClinVar:

NM_004168.4(SDHA):c.928G>A (p.Gly310Arg)

Gene: SDHA (succinate dehydrogenase complex flavoprotein subunit A; plus strand). Cytogenetic location: 5p15.33.
Variant type: single nucleotide variant.
Coding change: c.928G>A on transcript NM_004168.4 (MANE Select); coding-DNA position 928, G replaced by A.
Protein change: p.Gly310Arg; replaces glycine 310 with arginine.
Molecular consequence: missense variant.
Genome position (GRCh38, 1-based): chr5:233,509, G>A. VCF-style: chr5-233509-G-A. GRCh37 (hg19) VCF-style: chr5-233624-G-A.
Other names: c.784G>A, p.Gly262Arg (NM_001294332.2); c.928G>A, p.Gly310Arg (NM_001330758.2); short protein forms G310R, G262R.
Identifiers: ClinVar variation 1947622 (VCV001947622.5), dbSNP rs2477348604, ClinGen allele CA359012584.

ClinVar aggregate classification (germline): Uncertain significance (1 of 4 stars; one submission).

Conditions:
Mitochondrial complex II deficiency, nuclear type 1. Also called: SUCCINATE CoQ REDUCTASE DEFICIENCY. Identifiers: Orphanet 3208, MedGen C5700310, MONDO:0100294, OMIM 252011.
Pheochromocytoma/paraganglioma syndrome 5. Also called: Paragangliomas 5; SDHA-Related Hereditary Paraganglioma-Pheochromocytoma Syndrome. Identifiers: Orphanet 29072, MedGen C3279992, MONDO:0013602, OMIM 614165.

Allele frequency attached by ClinVar (database versions not stated): gnomAD exomes below 0.00001.

Submission:

Labcorp Genetics (formerly Invitae), Labcorp
Classification: Uncertain significance for Pheochromocytoma/paraganglioma syndrome 5; Mitochondrial complex II deficiency, nuclear type 1. Last evaluated: 2024-04-15. Review status: criteria provided, single submitter. Criteria: Invitae Variant Classification Sherloc (09022015). Collection method: clinical testing. Allele origin: germline.
Comment: This sequence change replaces glycine, which is neutral and non-polar, with arginine, which is basic and polar, at codon 310 of the SDHA protein (p.Gly310Arg). This variant is not present in population databases (gnomAD no frequency). This variant has not been reported in the literature in individuals affected with SDHA-related conditions. ClinVar contains an entry for this variant (Variation ID: 1947622). Advanced modeling of protein sequence and biophysical properties (such as structural, functional, and spatial information, amino acid conservation, physicochemical variation, residue mobility, and thermodynamic stability) performed at Invitae indicates that this missense variant is not expected to disrupt SDHA protein function with a negative predictive value of 95%. In summary, the available evidence is currently insufficient to determine the role of this variant in disease. Therefore, it has been classified as a Variant of Uncertain Significance.